The following is an entry in ClinVar:

ClinVar aggregate classification (germline): Uncertain significance. Review status: criteria provided, multiple submitters, no conflicts (2 of 4 stars). 2 submissions from 2 submitters: Uncertain significance (2). Last evaluated 2023-10-03.

Conditions:
Nephronophthisis 15 (NPHP15). Identifiers: Orphanet 3156, MedGen C3541853, MONDO:0013917, OMIM 614845.

gnomAD v4.1: 32 of 1,610,734 alleles (0.002%); highest among the groups gnomAD compares: South Asian, 0.0077%; no homozygotes.

Submissions (2):

Labcorp Genetics (formerly Invitae), Labcorp
Classification: Uncertain significance for Nephronophthisis 15. Last evaluated: 2023-10-03. Review status: criteria provided, single submitter. Criteria: Invitae Variant Classification Sherloc (09022015). Collection method: clinical testing. Allele origin: germline.
Comment: This sequence change replaces arginine, which is basic and polar, with histidine, which is basic and polar, at codon 162 of the CEP164 protein (p.Arg162His). This variant is present in population databases (rs139763142, gnomAD 0.01%). This variant has not been reported in the literature in individuals affected with CEP164-related conditions. ClinVar contains an entry for this variant (Variation ID: 1041747). Algorithms developed to predict the effect of missense changes on protein structure and function output the following: SIFT: "Not Available"; PolyPhen-2: "Benign"; Align-GVGD: "Not Available". The histidine amino acid residue is found in multiple mammalian species, which suggests that this missense change does not adversely affect protein function. In summary, the available evidence is currently insufficient to determine the role of this variant in disease. Therefore, it has been classified as a Variant of Uncertain Significance.

Fulgent Genetics
Classification: Uncertain significance for Nephronophthisis 15. Last evaluated: 2022-02-15. Review status: criteria provided, single submitter. Criteria: ACMG Guidelines, 2015. Collection method: clinical testing. Allele origin: unknown.

NM_014956.5(CEP164):c.485G>A (p.Arg162His)

Gene: CEP164 (centrosomal protein 164; plus strand). Cytogenetic location: 11q23.3.
Variant type: single nucleotide variant.
Coding change: c.485G>A on transcript NM_014956.5 (MANE Select); coding-DNA position 485, G replaced by A.
Protein change: p.Arg162His; replaces arginine 162 with histidine.
Molecular consequence: missense variant.
Genome position (GRCh38, 1-based): chr11:117,361,926, G>A. VCF-style: chr11-117361926-G-A. GRCh37 (hg19) VCF-style: chr11-117232642-G-A.
Other names: c.485G>A, p.Arg162His (NM_001271933.2); short protein forms R162H.
Identifiers: ClinVar variation 1041747 (VCV001041747.6), dbSNP rs139763142, ClinGen allele CA6294493.